The following is an entry in ClinVar:

NM_005732.4(RAD50):c.756+2del

Gene: RAD50 (RAD50 double strand break repair protein; plus strand). Cytogenetic location: 5q31.1.
Variant type: Deletion.
Coding change: c.756+2del on transcript NM_005732.4 (MANE Select); the canonical splice donor site of the intron after coding-DNA position 756, one base deleted (T; older notation c.756+2delT).
Molecular consequence: splice donor variant.
Genome position (GRCh38, 1-based): chr5:132,580,068, T deleted. VCF-style (leftmost placement, unchanged base first): chr5-132580067-GT-G. GRCh37 (hg19) VCF-style: chr5-131915759-GT-G.
Identifiers: ClinVar variation 2806866 (VCV002806866.3), dbSNP rs2479617864, ClinGen allele CA2739275062.

ClinVar aggregate classification (germline): Likely pathogenic (1 of 4 stars; one submission).

Conditions:
Hereditary cancer-predisposing syndrome. Also called: Hereditary neoplastic syndrome; Neoplastic Syndromes, Hereditary; Hereditary Cancer Syndrome; Tumor predisposition. Identifiers: Orphanet 140162, MedGen C0027672, MeSH D009386, MONDO:0015356.

Submission:

Labcorp Genetics (formerly Invitae), Labcorp
Classification: Likely pathogenic for Hereditary cancer-predisposing syndrome. Last evaluated: 2023-11-21. Review status: criteria provided, single submitter. Criteria: Invitae Variant Classification Sherloc (09022015). Collection method: clinical testing. Allele origin: germline.
Comment: This sequence change affects a splice site in intron 5 of the RAD50 gene. It is expected to disrupt RNA splicing. Variants that disrupt the donor or acceptor splice site typically lead to a loss of protein function (PMID: 16199547), and loss-of-function variants in RAD50 are known to be pathogenic (PMID: 19409520). This variant is not present in population databases (gnomAD no frequency). This variant has not been reported in the literature in individuals affected with RAD50-related conditions. Algorithms developed to predict the effect of sequence changes on RNA splicing suggest that this variant may disrupt the consensus splice site. In summary, the currently available evidence indicates that the variant is pathogenic, but additional data are needed to prove that conclusively. Therefore, this variant has been classified as Likely Pathogenic.

Literature cited by the submitters: PubMed 16199547; PubMed 19409520.